The following is an entry in ClinVar:

ClinVar aggregate classification (germline): Uncertain significance (1 of 4 stars; one submission).

Submission:

GeneDx
Classification: Uncertain significance. Last evaluated: 2026-02-04. Review status: criteria provided, single submitter. Criteria: GeneDx Variant Classification Process June 2021. Collection method: clinical testing. Allele origin: germline.
Comment: Not observed at significant frequency in large population cohorts (gnomAD); In silico analysis supports that this missense variant has a deleterious effect on protein structure/function; Has not been previously published as pathogenic or benign to our knowledge

NM_002709.3(PPP1CB):c.869G>A (p.Cys290Tyr)

Gene: PPP1CB (protein phosphatase 1 catalytic subunit beta; plus strand). Cytogenetic location: 2p23.2.
Variant type: single nucleotide variant.
Coding change: c.869G>A on transcript NM_002709.3 (MANE Select); coding-DNA position 869, G replaced by A.
Protein change: p.Cys290Tyr; replaces cysteine 290 with tyrosine.
Molecular consequence: missense variant.
Genome position (GRCh38, 1-based): chr2:28,793,987, G>A. VCF-style: chr2-28793987-G-A. GRCh37 (hg19) VCF-style: chr2-29016853-G-A.
Other names: c.869G>A, p.Cys290Tyr (NM_206876.2); short protein forms C290Y.
Identifiers: ClinVar variation 4975722 (VCV004975722.1).